The following is an entry in ClinVar:

NM_000321.3(RB1):c.666C>T (p.Val222=)

Gene: RB1 (RB transcriptional corepressor 1; plus strand). Cytogenetic location: 13q14.2.
Variant type: single nucleotide variant.
Coding change: c.666C>T on transcript NM_000321.3 (MANE Select); coding-DNA position 666, C replaced by T.
Protein change: p.Val222=; no amino-acid change (valine 222 retained).
Molecular consequence: synonymous variant.
Genome position (GRCh38, 1-based): chr13:48,360,075, C>T. VCF-style: chr13-48360075-C-T. GRCh37 (hg19) VCF-style: chr13-48934211-C-T.
Other names: c.666C>T, p.Val222= (NM_001407165.1, NM_001407166.1).
Identifiers: ClinVar variation 3015078 (VCV003015078.5), dbSNP rs761248555, ClinGen allele CA483557720.

ClinVar aggregate classification (germline): Likely benign. Review status: criteria provided, multiple submitters, no conflicts (2 of 4 stars). 3 submissions from 3 submitters: Likely benign (3). Last evaluated 2024-04-11.

Conditions:
Retinoblastoma (RB1). Also called: RETINOBLASTOMA, SOMATIC. Identifiers: Orphanet 790, MedGen C0035335, MeSH D012175, MONDO:0008380, OMIM 180200, HP:0009919. Disease mechanism: loss of function. Inheritance: Both sporadic and heritable forms are tested..
Hereditary cancer-predisposing syndrome. Also called: Neoplastic Syndromes, Hereditary; Tumor predisposition; Hereditary neoplastic syndrome; Hereditary Cancer Syndrome. Identifiers: Orphanet 140162, MedGen C0027672, MeSH D009386, MONDO:0015356.

gnomAD v4.1: 1 of 1,612,472 alleles (0.000062%); highest among the groups gnomAD compares: Non-Finnish European, 0.000085%; no homozygotes.

Submissions (3):

Ambry Genetics
Classification: Likely benign for Hereditary cancer-predisposing syndrome. Last evaluated: 2024-04-11. Review status: criteria provided, single submitter. Criteria: Ambry Variant Classification Scheme 2023. Collection method: clinical testing. Allele origin: germline.

Labcorp Genetics (formerly Invitae), Labcorp
Classification: Likely benign for Retinoblastoma. Last evaluated: 2023-07-06. Review status: criteria provided, single submitter. Criteria: Invitae Variant Classification Sherloc (09022015). Collection method: clinical testing. Allele origin: germline.

All of Us Research Program, National Institutes of Health
Classification: Likely benign for Retinoblastoma. Last evaluated: 2023-05-15. Review status: criteria provided, single submitter. Criteria: ACMG Guidelines, 2015. Collection method: clinical testing. Allele origin: germline. Inheritance: Autosomal dominant inheritance. Observed: 1 variant allele, 1 heterozygote.
Comment: This study involves interpretation of variants in research participants for the purpose of population health screening. Participant phenotype was not available at the time of variant classification. Additional details can be found in publication PMID: 35346344, PMCID: PMC8962531